The following is an entry in ClinVar:

NM_003072.5(SMARCA4):c.3216-1G>C

Gene: SMARCA4 (SWI/SNF related BAF chromatin remodeling complex subunit ATPase 4; plus strand). Cytogenetic location: 19p13.2.
Variant type: single nucleotide variant.
Coding change: c.3216-1G>C on transcript NM_003072.5 (MANE Select); the canonical splice acceptor site of the intron before coding-DNA position 3216, G replaced by C.
Molecular consequence: splice acceptor variant.
Genome position (GRCh38, 1-based): chr19:11,027,783, G>C. VCF-style: chr19-11027783-G-C. GRCh37 (hg19) VCF-style: chr19-11138459-G-C.
Other names: c.3216-1G>C (NM_001128849.1, NM_001128845.2, NM_001128846.2 and 7 more transcripts).
Identifiers: ClinVar variation 3726338 (VCV003726338.3).
Genomic context (GRCh38, chr19:11,027,783, plus strand): 5'-TGCCTGCAGGGTTCCAGGTTTAACATCCTGCGCCTTCTCTCCTGCCTCCTCCACACTCCA[G>C]GCTGGACCTGTACCGAGCCTCGGGTAAATTTGAGCTTCTTGATAGAATTCTTCCCAAACT-3'

ClinVar aggregate classification (germline): Likely pathogenic. Review status: criteria provided, multiple submitters, no conflicts (2 of 4 stars). 2 submissions from 2 submitters: Likely pathogenic (2). Last evaluated 2025-05-09.

Conditions:
Hereditary cancer-predisposing syndrome. Also called: Hereditary Cancer Syndrome; Hereditary neoplastic syndrome; Neoplastic Syndromes, Hereditary; Tumor predisposition. Identifiers: Orphanet 140162, MedGen C0027672, MeSH D009386, MONDO:0015356.
Rhabdoid tumor predisposition syndrome 2 (RTPS2). Identifiers: Orphanet 231108, Orphanet 69077, MedGen C2750074, MONDO:0013224, OMIM 613325.

Submissions (2):

Ambry Genetics
Classification: Likely pathogenic for Hereditary cancer-predisposing syndrome. Last evaluated: 2025-05-09. Review status: criteria provided, single submitter. Criteria: Ambry Variant Classification Scheme 2023. Collection method: clinical testing. Allele origin: germline.
Comment: The c.3216-1G>C intronic variant results from a G to C substitution one nucleotide upstream from coding exon 23 of the SMARCA4 gene. Alterations that disrupt the canonical splice site are expected to cause aberrant splicing, resulting in an abnormal protein or a transcript that is subject to nonsense-mediated mRNA decay. This nucleotide position is highly conserved in available vertebrate species. In silico splice site analysis predicts that this alteration will weaken the native splice acceptor site and may result in the creation or strengthening of a novel splice acceptor site. RNA studies have demonstrated that this alteration results in abnormal splicing in the set of samples tested (Ambry internal data). Loss-of-function variants in SMARCA4 are known to cause rhabdoid tumor predisposition syndrome including small cell carcinoma of the ovary-hypercalcemic type (SCCOHT); however, such associations with neurodevelopmental disorders are exceedingly rare (Kosho T et al. Am J Med Genet C Semin Med Genet. 2014 Sep;166C(3):262-75; Jelinic P et al. Nat Genet. 2014 May;46(5):424-6). Based on the supporting evidence, this alteration is likely pathogenic for rhabdoid tumor predisposition syndrome; however, the association of this alteration with Coffin-Siris syndrome is unlikely.

Labcorp Genetics (formerly Invitae), Labcorp
Classification: Likely pathogenic for Rhabdoid tumor predisposition syndrome 2. Last evaluated: 2024-11-28. Review status: criteria provided, single submitter. Criteria: Invitae Variant Classification Sherloc (09022015). Collection method: clinical testing. Allele origin: germline.
Comment: This sequence change affects an acceptor splice site in intron 23 of the SMARCA4 gene. It is expected to disrupt RNA splicing. Variants that disrupt the donor or acceptor splice site typically lead to a loss of protein function (PMID: 16199547), and loss-of-function variants in SMARCA4 are known to be pathogenic (PMID: 24658001, 24658002). This variant is not present in population databases (gnomAD no frequency). This variant has not been reported in the literature in individuals affected with SMARCA4-related conditions. Algorithms developed to predict the effect of sequence changes on RNA splicing suggest that this variant may disrupt the consensus splice site. In summary, the currently available evidence indicates that the variant is pathogenic, but additional data are needed to prove that conclusively. Therefore, this variant has been classified as Likely Pathogenic.

Literature cited by the submitters: PubMed 16199547 (cited by Labcorp Genetics (formerly Invitae), Labcorp); PubMed 24658001 (cited by Labcorp Genetics (formerly Invitae), Labcorp); PubMed 24658002 (cited by Labcorp Genetics (formerly Invitae), Labcorp).